The following is an entry in ClinVar:

ClinVar aggregate classification (germline): Uncertain significance (1 of 4 stars; one submission).

Submission:

GeneDx
Classification: Uncertain significance. Last evaluated: 2013-10-31. Review status: criteria provided, single submitter. Criteria: GeneDx Variant Classification (06012015). Collection method: clinical testing. Allele origin: germline. Affected: yes.
Comment: Missense variants in the TTN gene are considered 'unclassified' if they are not previously reported in the literature and do not have >1% frequency in the population to be considered a polymorphism. Research indicates that truncating mutations in the TTN gene are expected to account for approximately 25% of familial and 18% of sporadic idiopathic DCM; however, truncating variants in the TTN gene have been reported in approximately 3% of reported control alleles. There has been little investigation into non-truncating variants. (Herman D et al. Truncations of titin causing dilated cardiomyopathy. N Eng J Med 366:619-628, 2012) The variant is found in DCM-CRDM panel(s).

NM_001267550.2(TTN):c.76796T>C (p.Leu25599Pro)

Genes: TTN-AS1 (TTN antisense RNA 1; plus strand), TTN (titin; minus strand). Cytogenetic location: 2q31.2.
Variant type: single nucleotide variant.
Coding change: c.76796T>C on transcript NM_001267550.2 (MANE Select); coding-DNA position 76796, T replaced by C.
Protein change: p.Leu25599Pro; replaces leucine 25599 with proline.
Molecular consequence: missense variant.
Genome position (GRCh38, 1-based): chr2:178,569,336, A>G on the plus strand (T>C on the coding strand, the complement: TTN is on the minus strand). VCF-style: chr2-178569336-A-G. GRCh37 (hg19) VCF-style: chr2-179434063-A-G.
Other names: p.L23958P:CTG>CCG; c.71873T>C, p.Leu23958Pro (NM_001256850.1); c.49601T>C, p.Leu16534Pro (NM_003319.4); c.69092T>C, p.Leu23031Pro (NM_133378.4); c.49976T>C, p.Leu16659Pro (NM_133432.3); c.50177T>C, p.Leu16726Pro (NM_133437.4); short protein forms L23958P, L25599P, L16659P, L16726P, L16534P, L23031P.
Identifiers: ClinVar variation 202872 (VCV000202872.2), dbSNP rs794729500, ClinGen allele CA310548.